The following is an entry in ClinVar:

NM_001256071.3(RNF213):c.12355C>T (p.Pro4119Ser)

Genes: RNF213 (ring finger protein 213; plus strand), RNF213-AS1 (RNF213 antisense RNA 1; minus strand). Cytogenetic location: 17q25.3.
Variant type: single nucleotide variant.
Coding change: c.12355C>T on transcript NM_001256071.3 (MANE Select); coding-DNA position 12355, C replaced by T.
Protein change: p.Pro4119Ser; replaces proline 4119 with serine.
Molecular consequence: missense variant.
Genome position (GRCh38, 1-based): chr17:80,369,797, C>T. VCF-style: chr17-80369797-C-T. GRCh37 (hg19) VCF-style: chr17-78343597-C-T.
Other names: short protein forms P4119S.
Identifiers: ClinVar variation 1490618 (VCV001490618.6), dbSNP rs2144488030, ClinGen allele CA401409803.
Genomic context (GRCh38, chr17:80,369,797, plus strand): 5'-CAGTGAGCTGCCTTTTTCTTTCTGGTTTAAGGACACTGTGAACACACAAAATCTCTCTCT[C>T]CATTCAATGATGTTGTGGATAAGACTCCTGTCATCCGCTCAGTGATACTGAAACTGCTTT-3'
Protein context (NP_001243000.2, residues 4109-4129): RHCEHTKSLS[Pro4119Ser]FNDVVDKTPV

ClinVar aggregate classification (germline): Pathogenic (1 of 4 stars; one submission).

Submission:

Labcorp Genetics (formerly Invitae), Labcorp
Classification: Pathogenic. Last evaluated: 2025-08-21. Review status: criteria provided, single submitter. Criteria: Invitae Variant Classification Sherloc (09022015). Collection method: clinical testing. Allele origin: germline.
Comment: This sequence change replaces proline, which is neutral and non-polar, with serine, which is neutral and polar, at codon 4119 of the RNF213 protein (p.Pro4119Ser). This variant is not present in population databases (gnomAD no frequency). This missense change has been observed in individual(s) with Moyamoya disease (PMID: 37924258; internal data). In at least one individual the variant was observed to be de novo. ClinVar contains an entry for this variant (Variation ID: 1490618). Invitae Evidence Modeling of protein sequence and biophysical properties (such as structural, functional, and spatial information, amino acid conservation, physicochemical variation, residue mobility, and thermodynamic stability) indicates that this missense variant is not expected to disrupt RNF213 protein function with a negative predictive value of 95%. For these reasons, this variant has been classified as Pathogenic.

Literature cited by the submitters: PubMed 37924258.